The following is an entry in ClinVar:

NM_000414.4(HSD17B4):c.179delinsTT (p.Glu60fs)

Gene: HSD17B4 (hydroxysteroid 17-beta dehydrogenase 4; plus strand). Cytogenetic location: 5q23.1.
Variant type: Indel.
Coding change: c.179delinsTT on transcript NM_000414.4 (MANE Select); coding-DNA position 179, A replaced by TT.
Protein change: p.Glu60fs; shifts the reading frame from glutamic acid 60.
Molecular consequence: frameshift variant. On other transcripts: 5 prime UTR variant (6), non-coding transcript variant (2).
Genome position (GRCh38, 1-based): chr5:119,473,974, A replaced by TT. VCF-style: chr5-119473974-A-TT. GRCh37 (hg19) VCF-style: chr5-118809669-A-TT.
Other names: c.107delinsTT, p.Glu36fs (NM_001292027.2); c.-233delinsTT (NM_001292028.2, NM_001374501.1); c.179delinsTT, p.Glu60fs (NM_001374497.1, NM_001374498.1); c.-102delinsTT (NM_001374499.1); c.-360delinsTT (NM_001374500.1); c.-238delinsTT (NM_001374502.1, NM_001374503.1); c.254delinsTT, p.Glu85fs (NM_001199291.3); c.125delinsTT, p.Glu42fs (NM_001199292.2); short protein forms E36fs, E42fs, E60fs, E85fs.
Identifiers: ClinVar variation 1726815 (VCV001726815.3), dbSNP rs2531599299, ClinGen allele CA2580072391.

ClinVar aggregate classification (germline): Likely pathogenic (1 of 4 stars; one submission).

Conditions:
Bifunctional peroxisomal enzyme deficiency (DBIF). Also called: DBP DEFICIENCY; PBFE DEFICIENCY; D-bifunctional protein deficiency. Identifiers: Orphanet 300, MedGen C0342870, MONDO:0009855, OMIM 261515. Disease mechanism: loss of function.

Submission:

Myriad Genetics, Inc.
Classification: Likely pathogenic for Bifunctional peroxisomal enzyme deficiency. Last evaluated: 2022-01-02. Review status: criteria provided, single submitter. Criteria: Myriad Autosomal Dominant, Autosomal Recessive and X-Linked Classification Criteria (2023). Collection method: clinical testing. Allele origin: unknown.
Comment: NM_000414.3(HSD17B4):c.179delAinsTT(E60Vfs*15) is expected to be pathogenic in the context of HSD17B4-related disorders. This variant is predicted to lead to an abnormal or absent protein product due to the creation of a premature termination codon in HSD17B4, a gene where loss-of-function variants are known to be pathogenic. Please note: this variant was assessed in the context of healthy population screening.